The following is an entry in ClinVar:

ClinVar aggregate classification (germline): Conflicting classifications of pathogenicity. Review status: criteria provided, conflicting classifications (1 of 4 stars). 2 submissions from 2 submitters: Uncertain significance (1); Likely benign (1). Last evaluated 2025-04-28.

Conditions:
Intellectual disability. Also called: intellectual disabilities; Intellectual developmental disorder; Intellectual functioning disability. Identifiers: MedGen C3714756, MeSH D008607, MONDO:0001071, HP:0001249.
Developmental and epileptic encephalopathy 92. Also called: EPILEPTIC ENCEPHALOPATHY, INFANTILE OR EARLY CHILDHOOD, 2. Identifiers: MedGen C4693362, MONDO:0020631, OMIM 617829.

Allele frequency attached by ClinVar (database versions not stated): ExAC 0.00001; gnomAD 0.00001; TOPMed below 0.00001.
gnomAD v4.1: 3 of 1,613,964 alleles (0.00019%); highest among the groups gnomAD compares: Non-Finnish European, 0.000085%; no homozygotes.

Submissions (2):

Labcorp Genetics (formerly Invitae), Labcorp
Classification: Likely benign for Intellectual disability. Last evaluated: 2025-04-28. Review status: criteria provided, single submitter. Criteria: Invitae Variant Classification Sherloc (09022015). Collection method: clinical testing. Allele origin: germline.

Baylor Genetics
Classification: Uncertain significance for Developmental and epileptic encephalopathy 92. Last evaluated: 2020-01-17. Review status: criteria provided, single submitter. Criteria: ACMG Guidelines, 2015. Collection method: clinical testing. Allele origin: unknown. Affected: yes.
Comment: This variant was determined to be of uncertain significance according to ACMG Guidelines, 2015 [PMID:25741868].

NM_001371727.1(GABRB2):c.1325G>A (p.Arg442Gln)

Gene: GABRB2 (gamma-aminobutyric acid type A receptor subunit beta2; minus strand). Cytogenetic location: 5q34.
Variant type: single nucleotide variant.
Coding change: c.1325G>A on transcript NM_001371727.1 (MANE Select); coding-DNA position 1325, G replaced by A.
Protein change: p.Arg442Gln; replaces arginine 442 with glutamine.
Molecular consequence: missense variant.
Genome position (GRCh38, 1-based): chr5:161,294,295, C>T on the plus strand (G>A on the coding strand, the complement: GABRB2 is on the minus strand). VCF-style: chr5-161294295-C-T. GRCh37 (hg19) VCF-style: chr5-160721302-C-T.
Other names: c.1211G>A, p.Arg404Gln (NM_000813.3); c.1325G>A, p.Arg442Gln (NM_021911.3); short protein forms R404Q, R442Q.
Identifiers: ClinVar variation 656109 (VCV000656109.10), dbSNP rs779091017, ClinGen allele CA3543339.